The following is an entry in ClinVar:

NM_001369.3(DNAH5):c.6281_6282insACACAGTTTGTAGAGCG (p.Pro2094_Glu2095insHisSerLeuTer)

Gene: DNAH5 (dynein axonemal heavy chain 5; minus strand). Cytogenetic location: 5p15.2.
Variant type: Insertion.
Coding change: c.6281_6282insACACAGTTTGTAGAGCG on transcript NM_001369.3 (MANE Select); coding-DNA positions 6281 to 6282, ACACAGTTTGTAGAGCG inserted.
Protein change: p.Pro2094_Glu2095insHisSerLeuTer.
Molecular consequence: nonsense.
Genome position: GRCh38 VCF-style: chr5-13829672-A-ACGCTCTACAAACTGTGT. GRCh37 (hg19) VCF-style: chr5-13829781-A-ACGCTCTACAAACTGTGT.
Identifiers: ClinVar variation 5010458 (VCV005010458.1).

ClinVar aggregate classification (germline): Pathogenic (1 of 4 stars; one submission).

Conditions:
Primary ciliary dyskinesia 3. Identifiers: Orphanet 244, MedGen C1837618, MONDO:0012085, OMIM 608644.

Submission:

Myriad Genetics, Inc.
Classification: Pathogenic for Primary ciliary dyskinesia 3. Last evaluated: 2024-05-14. Review status: criteria provided, single submitter. Criteria: Myriad Autosomal Dominant, Autosomal Recessive and X-Linked Classification Criteria (2023). Collection method: clinical testing. Allele origin: unknown.
Comment: NM_001369.2(DNAH5):c.6281_6282ins17(E2095Hfs*4) is expected to be pathogenic in the context of primary ciliary dyskinesia, DNAH5-related. This variant is predicted to lead to an abnormal or absent protein product due to the creation of a premature termination codon in DNAH5, a gene where loss-of-function variants are known to be pathogenic. Please note: this variant was assessed in the context of healthy population screening.